The following is an entry in ClinVar:

NM_014249.4(NR2E3):c.1082A>G (p.His361Arg)

Gene: NR2E3 (nuclear receptor subfamily 2 group E member 3; plus strand). Cytogenetic location: 15q23.
Variant type: single nucleotide variant.
Coding change: c.1082A>G on transcript NM_014249.4 (MANE Select); coding-DNA position 1082, A replaced by G.
Protein change: p.His361Arg; replaces histidine 361 with arginine.
Molecular consequence: missense variant.
Genome position (GRCh38, 1-based): chr15:71,814,099, A>G. VCF-style: chr15-71814099-A-G. GRCh37 (hg19) VCF-style: chr15-72106440-A-G.
Other names: c.1082A>G, p.His361Arg (NM_016346.4); short protein forms H361R.
Identifiers: ClinVar variation 732053 (VCV000732053.15), dbSNP rs537337423, ClinGen allele CA7640490.

ClinVar aggregate classification (germline): Conflicting classifications of pathogenicity. Review status: criteria provided, conflicting classifications (1 of 4 stars). 5 submissions from 5 submitters: Uncertain significance (1); Likely benign (3). 1 of the submissions does not count toward it. Last evaluated 2026-01-31.

Conditions:
Retinal dystrophy. Also called: Inherited retinal dystrophy. Identifiers: Orphanet 71862, MedGen C0854723, MeSH D058499, MONDO:0019118, HP:0000556.
Enhanced S-cone syndrome (ESCS). Identifiers: Orphanet 53540, MedGen C1849394, MONDO:0100288, MONDO:0009989.
NR2E3-related disorder. Also called: NR2E3-related disorders; NR2E3-related condition. Identifiers: MedGen CN239387.

Allele frequency attached by ClinVar (database versions not stated): gnomAD 0.00005 and 0.00009; TOPMed 0.00013; gnomAD exomes 0.00019; 1000 Genomes Project 30x 0.00078; 1000 Genomes Project 0.00080.

Submissions (5):

Labcorp Genetics (formerly Invitae), Labcorp
Classification: Likely benign. Last evaluated: 2026-01-31. Review status: criteria provided, single submitter. Criteria: Invitae Variant Classification Sherloc (09022015). Collection method: clinical testing. Allele origin: germline.

PreventionGenetics, part of Exact Sciences
Classification: Likely benign for NR2E3-related condition. Last evaluated: 2025-01-17. Review status: criteria provided, single submitter. Criteria: ACMG Guidelines, 2015. Collection method: clinical testing. Allele origin: germline.
Comment: This variant is classified as likely benign based on ACMG/AMP sequence variant interpretation guidelines (Richards et al. 2015 PMID: 25741868, with internal and published modifications).

Blueprint Genetics
Classification: Uncertain significance. Last evaluated: 2024-08-30. Review status: criteria provided, single submitter. Criteria: ACMG Guidelines, 2015. Collection method: clinical testing. Allele origin: germline.

Dept Of Ophthalmology, Nagoya University
Classification: Likely benign for Retinal dystrophy. Last evaluated: 2023-10-01. Review status: criteria provided, single submitter. Criteria: Submitter's publication. Collection method: research. Allele origin: germline. Affected: yes.

Natera, Inc.
Classification: Likely benign for Enhanced S cone syndrome. Last evaluated: 2020-01-15. Review status: no assertion criteria provided. Collection method: clinical testing. Allele origin: germline. Not counted in ClinVar's aggregate classification.